The following is an entry in ClinVar:

ClinVar aggregate classification (germline): Pathogenic (1 of 4 stars; one submission).

Conditions:
Brown-Vialetto-van Laere syndrome 2. Also called: SPINOCEREBELLAR ATAXIA WITH BLINDNESS AND DEAFNESS 2; Riboflavin transporter deficiency type 2. Identifiers: Orphanet 572543, Orphanet 97229, MedGen C3553538, MONDO:0013867, OMIM 614707.

Submission:

Labcorp Genetics (formerly Invitae), Labcorp
Classification: Pathogenic for Brown-Vialetto-van Laere syndrome 2. Last evaluated: 2022-12-16. Review status: criteria provided, single submitter. Criteria: Invitae Variant Classification Sherloc (09022015). Collection method: clinical testing. Allele origin: germline.
Comment: This sequence change creates a premature translational stop signal (p.Leu98Valfs*91) in the SLC52A2 gene. It is expected to result in an absent or disrupted protein product. Loss-of-function variants in SLC52A2 are known to be pathogenic (PMID: 24253200). This variant is not present in population databases (gnomAD no frequency). This premature translational stop signal has been observed in individual(s) with SLC52A2-related conditions (PMID: 26633542). For these reasons, this variant has been classified as Pathogenic.

Literature cited by the submitters: PubMed 24253200; PubMed 26633542.

NM_001363118.2(SLC52A2):c.292_293del (p.Leu98fs)

Gene: SLC52A2 (solute carrier family 52 member 2; plus strand). Cytogenetic location: 8q24.3.
Variant type: Microsatellite.
Coding change: c.292_293del on transcript NM_001363118.2 (MANE Select); coding-DNA positions 292 to 293, 2 bases deleted (CT; older notation c.292_293delCT).
Protein change: p.Leu98fs; shifts the reading frame from leucine 98.
Molecular consequence: frameshift variant. On other transcripts: non-coding transcript variant (1), intron variant (1).
Genome position (GRCh38, 1-based): chr8:144,359,784-144,359,785, CT deleted; deleting any 2 consecutive bases within chr8:144,359,780-144,359,785 gives the same sequence; the c. name uses the placement nearest the transcript's 3' end. VCF-style (leftmost placement, unchanged base first): chr8-144359779-CCT-C. GRCh37 (hg19) VCF-style: chr8-145583439-CCT-C.
Other names: c.292_293del, p.Leu98fs (NM_001253815.2, NM_001253816.2, NM_001363120.2 and 2 more transcripts); c.28_29del, p.Leu10fs (NM_001410949.1); c.131-335CT[2] (NM_001363122.2); short protein forms L10fs, L98fs.
Identifiers: ClinVar variation 2735232 (VCV002735232.3), dbSNP rs2489039522, ClinGen allele CA2689087957.